The following is an entry in ClinVar:

NM_001378120.1(MBD5):c.952T>C (p.Ser318Pro)

Gene: MBD5 (methyl-CpG binding domain protein 5; plus strand). Cytogenetic location: 2q23.1.
Variant type: single nucleotide variant.
Coding change: c.952T>C on transcript NM_001378120.1 (MANE Select); coding-DNA position 952, T replaced by C.
Protein change: p.Ser318Pro; replaces serine 318 with proline.
Molecular consequence: missense variant.
Genome position (GRCh38, 1-based): chr2:148,468,895, T>C. VCF-style: chr2-148468895-T-C. GRCh37 (hg19) VCF-style: chr2-149226464-T-C.
Other names: c.952T>C, p.Ser318Pro (NM_018328.5); short protein forms S318P.
Identifiers: ClinVar variation 1392690 (VCV001392690.8), dbSNP rs745715010, ClinGen allele CA1899947.

ClinVar aggregate classification (germline): Uncertain significance (1 of 4 stars; one submission).

Conditions:
Intellectual developmental disorder, autosomal dominant 1. Also called: Intellectual disability, autosomal dominant 1; MBD5 Haploinsufficiency. Identifiers: Orphanet 228402, MedGen C1969562, MONDO:0007974, OMIM 156200.

Allele frequency attached by ClinVar (database versions not stated): gnomAD exomes 0.00002 and 0.00001; TOPMed below 0.00001; ExAC 0.00001.
gnomAD v4.1: 7 of 1,613,902 alleles (0.00043%); highest among the groups gnomAD compares: Admixed American, 0.005%; no homozygotes.

Submission:

Labcorp Genetics (formerly Invitae), Labcorp
Classification: Uncertain significance for Intellectual developmental disorder, autosomal dominant 1. Last evaluated: 2023-08-04. Review status: criteria provided, single submitter. Criteria: Invitae Variant Classification Sherloc (09022015). Collection method: clinical testing. Allele origin: germline.
Comment: This sequence change replaces serine, which is neutral and polar, with proline, which is neutral and non-polar, at codon 318 of the MBD5 protein (p.Ser318Pro). This variant is present in population databases (rs745715010, gnomAD 0.01%). This variant has not been reported in the literature in individuals affected with MBD5-related conditions. ClinVar contains an entry for this variant (Variation ID: 1392690). Advanced modeling of protein sequence and biophysical properties (such as structural, functional, and spatial information, amino acid conservation, physicochemical variation, residue mobility, and thermodynamic stability) performed at Invitae indicates that this missense variant is not expected to disrupt MBD5 protein function. In summary, the available evidence is currently insufficient to determine the role of this variant in disease. Therefore, it has been classified as a Variant of Uncertain Significance.